The following is an entry in ClinVar:

NM_004260.4(RECQL4):c.1576C>T (p.Leu526Phe)

Gene: RECQL4 (RecQ like helicase 4; minus strand). Cytogenetic location: 8q24.3.
Variant type: single nucleotide variant.
Coding change: c.1576C>T on transcript NM_004260.4 (MANE Select); coding-DNA position 1576, C replaced by T.
Protein change: p.Leu526Phe; replaces leucine 526 with phenylalanine.
Molecular consequence: missense variant.
Genome position (GRCh38, 1-based): chr8:144,514,980, G>A on the plus strand (C>T on the coding strand, the complement: RECQL4 is on the minus strand). VCF-style: chr8-144514980-G-A. GRCh37 (hg19) VCF-style: chr8-145740364-G-A.
Other names: short protein forms L526F.
Identifiers: ClinVar variation 135174 (VCV000135174.43), dbSNP rs200732690, ClinGen allele CA161904.

ClinVar aggregate classification (germline): Benign/Likely benign. Review status: criteria provided, multiple submitters, no conflicts (2 of 4 stars). 10 submissions from 9 submitters: Benign (4); Likely benign (5). 1 of the submissions does not count toward it. Last evaluated 2026-01-31.

Conditions:
Rothmund-Thomson syndrome type 2 (RTS2). Identifiers: Orphanet 221016, MedGen C5203410, MONDO:0016369, OMIM 268400.
Hereditary cancer-predisposing syndrome. Also called: Tumor predisposition; Hereditary neoplastic syndrome; Hereditary Cancer Syndrome; Neoplastic Syndromes, Hereditary. Identifiers: Orphanet 140162, MedGen C0027672, MeSH D009386, MONDO:0015356.
Rapadilino syndrome. Identifiers: Orphanet 3021, MedGen C1849453, MONDO:0009955, OMIM 266280.
Baller-Gerold syndrome (BGS). Also called: CRANIOSYNOSTOSIS WITH RADIAL DEFECTS. Identifiers: Orphanet 1225, MedGen C0265308, MONDO:0009039, OMIM 218600.

Allele frequency attached by ClinVar (database versions not stated): ESP Exome Variant Server 0.00039; gnomAD 0.00041 and 0.00038; TOPMed 0.00055; ExAC 0.00067; gnomAD exomes 0.00076; 1000 Genomes Project 30x 0.00016; 1000 Genomes Project 0.00020.
gnomAD v4.1: 651 of 1,611,946 alleles (0.04%); highest among the groups gnomAD compares: Middle Eastern, 0.17%; 2 homozygotes.

Submissions (10):

Labcorp Genetics (formerly Invitae), Labcorp
Classification: Benign for Baller-Gerold syndrome. Last evaluated: 2026-01-31. Review status: criteria provided, single submitter. Criteria: Invitae Variant Classification Sherloc (09022015). Collection method: clinical testing. Allele origin: germline.

Genomic Medicine Center of Excellence, King Faisal Specialist Hospital and Research Centre
Classification: Likely benign. Last evaluated: 2025-08-18. Review status: criteria provided, single submitter. Criteria: ACMG Guidelines, 2015. Collection method: clinical testing. Allele origin: germline.

KCCC/NGS Laboratory, Kuwait Cancer Control Center
Classification: Benign for Rapadilino syndrome. Last evaluated: 2025-02-01. Review status: criteria provided, single submitter. Criteria: ACMG Guidelines, 2015. Collection method: clinical testing. Allele origin: germline. Affected: no.

Blueprint Genetics
Classification: Likely benign. Last evaluated: 2024-11-11. Review status: criteria provided, single submitter. Criteria: ACMG Guidelines, 2015. Collection method: clinical testing. Allele origin: germline.

CeGaT Center for Human Genetics Tuebingen
Classification: Likely benign. Last evaluated: 2024-04-01. Review status: criteria provided, single submitter. Criteria: CeGaT Center For Human Genetics Tuebingen Variant Classification Criteria Version 2. Collection method: clinical testing. Allele origin: germline. Affected: yes. Observed: 4 variant alleles.
Comment: RECQL4: BP4

KCCC/NGS Laboratory, Kuwait Cancer Control Center
Classification: Likely benign for Rothmund-Thomson syndrome type 2. Last evaluated: 2023-07-07. Review status: criteria provided, single submitter. Criteria: ACMG Guidelines, 2015. Collection method: clinical testing. Allele origin: germline. Affected: yes.

Sema4
Classification: Likely benign for Hereditary cancer-predisposing syndrome. Last evaluated: 2021-07-22. Review status: criteria provided, single submitter. Criteria: Sema4 Curation Guidelines. Collection method: curation. Allele origin: germline.

Centre for Mendelian Genomics, University Medical Centre Ljubljana
Classification: Benign for Rapadilino syndrome. Last evaluated: 2018-11-08. Review status: criteria provided, single submitter. Criteria: ACMG Guidelines, 2015. Collection method: clinical testing. Allele origin: unknown. Affected: yes.
Comment: This variant was classified as: Benign. The following ACMG criteria were applied in classifying this variant: BS1,BS2.

Breakthrough Genomics
Classification: Benign. Review status: criteria provided, single submitter. Criteria: ACMG Guidelines, 2015. Collection method: not provided. Allele origin: germline. Inheritance: Autosomal recessive inheritance. Affected: yes.

ITMI
No classification provided. Condition: AllHighlyPenetrant. Last evaluated: 2013-09-19. Review status: no classification provided. Collection method: reference population. Allele origin: germline. Not counted in ClinVar's aggregate classification.
Comment: Please see associated publication for description of ethnicities

Literature cited by the submitters: PubMed 24728327 (cited by ITMI).